The following is an entry in ClinVar:

NM_004281.4(BAG3):c.320A>C (p.Gln107Pro)

Gene: BAG3 (BAG cochaperone 3; plus strand). Cytogenetic location: 10q26.11.
Variant type: single nucleotide variant.
Coding change: c.320A>C on transcript NM_004281.4 (MANE Select); coding-DNA position 320, A replaced by C.
Protein change: p.Gln107Pro; replaces glutamine 107 with proline.
Molecular consequence: missense variant.
Genome position (GRCh38, 1-based): chr10:119,669,990, A>C. VCF-style: chr10-119669990-A-C. GRCh37 (hg19) VCF-style: chr10-121429502-A-C.
Other names: short protein forms Q107P.
Identifiers: ClinVar variation 429783 (VCV000429783.3), dbSNP rs760437650, ClinGen allele CA5716291.
Genomic context (GRCh38, chr10:119,669,990, plus strand): 5'-CCCAGCTCCGACCAGGCTACATTCCCATTCCTGTGCTCCATGAAGGCGCTGAGAACCGGC[A>C]GGTGCACCCTTTCCATGTCTATCCCCAGCCTGGGATGCAGCGATTCCGAACTGAGGCGGC-3'
Protein context (NP_004272.2, residues 97-117): PVLHEGAENR[Gln107Pro]VHPFHVYPQP

ClinVar aggregate classification (germline): Uncertain significance. Review status: criteria provided, multiple submitters, no conflicts (2 of 4 stars). 2 submissions from 2 submitters: Uncertain significance (2). Last evaluated 2025-04-22.

Conditions:
Dilated cardiomyopathy 1HH (CMD1HH). Identifiers: Orphanet 154, MedGen C3151293, MONDO:0013479, OMIM 613881.
Myofibrillar myopathy 6. Identifiers: Orphanet 199340, MedGen C2751831, MONDO:0013061, OMIM 612954.

Allele frequency attached by ClinVar (database versions not stated): gnomAD exomes below 0.00001; TOPMed below 0.00001; ExAC 0.00001; gnomAD 0.00002.

Submissions (2):

Labcorp Genetics (formerly Invitae), Labcorp
Classification: Uncertain significance for Dilated cardiomyopathy 1HH; Myofibrillar myopathy 6. Last evaluated: 2025-04-22. Review status: criteria provided, single submitter. Criteria: Invitae Variant Classification Sherloc (09022015). Collection method: clinical testing. Allele origin: germline.
Comment: This sequence change replaces glutamine, which is neutral and polar, with proline, which is neutral and non-polar, at codon 107 of the BAG3 protein (p.Gln107Pro). This variant is present in population databases (rs760437650, gnomAD 0.008%). This variant has not been reported in the literature in individuals affected with BAG3-related conditions. ClinVar contains an entry for this variant (Variation ID: 429783). Invitae Evidence Modeling of protein sequence and biophysical properties (such as structural, functional, and spatial information, amino acid conservation, physicochemical variation, residue mobility, and thermodynamic stability) indicates that this missense variant is not expected to disrupt BAG3 protein function with a negative predictive value of 80%. In summary, the available evidence is currently insufficient to determine the role of this variant in disease. Therefore, it has been classified as a Variant of Uncertain Significance.

GeneDx
Classification: Uncertain significance. Last evaluated: 2017-05-16. Review status: criteria provided, single submitter. Criteria: GeneDx Variant Classification (06012015). Collection method: clinical testing. Allele origin: germline. Affected: yes.
Comment: A variant of uncertain significance has been identified in the BAG3 gene. The Q107P variant has not been published as pathogenic or been reported as benign to our knowledge. This variant is not observed at a significant frequency in large population cohorts (Lek et al., 2016; 1000 Genomes Consortium et al., 2015; Exome Variant Server). The Q107P variant is a non-conservative amino acid substitution, which is likely to impact secondary protein structure as these residues differ in polarity, charge, size and/or other properties. In silico analysis predicts this variant is probably damaging to the protein structure/function. However, this substitution occurs at a position that is not conserved across species and where proline is the wild type in at least one species.